The following is an entry in ClinVar:

NM_005732.4(RAD50):c.2546A>G (p.Asn849Ser)

Gene: RAD50 (RAD50 double strand break repair protein; plus strand). Cytogenetic location: 5q31.1.
Variant type: single nucleotide variant.
Coding change: c.2546A>G on transcript NM_005732.4 (MANE Select); coding-DNA position 2546, A replaced by G.
Protein change: p.Asn849Ser; replaces asparagine 849 with serine.
Molecular consequence: missense variant.
Genome position (GRCh38, 1-based): chr5:132,604,827, A>G. VCF-style: chr5-132604827-A-G. GRCh37 (hg19) VCF-style: chr5-131940519-A-G.
Other names: short protein forms N849S.
Identifiers: ClinVar variation 2730086 (VCV002730086.3), dbSNP rs2479668081, ClinGen allele CA360956271.

ClinVar aggregate classification (germline): Uncertain significance (1 of 4 stars; one submission).

Conditions:
Hereditary cancer-predisposing syndrome. Also called: Hereditary Cancer Syndrome; Tumor predisposition; Neoplastic Syndromes, Hereditary; Hereditary neoplastic syndrome. Identifiers: Orphanet 140162, MedGen C0027672, MeSH D009386, MONDO:0015356.

Submission:

Labcorp Genetics (formerly Invitae), Labcorp
Classification: Uncertain significance for Hereditary cancer-predisposing syndrome. Last evaluated: 2023-08-22. Review status: criteria provided, single submitter. Criteria: Invitae Variant Classification Sherloc (09022015). Collection method: clinical testing. Allele origin: germline.
Comment: This variant is not present in population databases (gnomAD no frequency). In summary, the available evidence is currently insufficient to determine the role of this variant in disease. Therefore, it has been classified as a Variant of Uncertain Significance. Advanced modeling of protein sequence and biophysical properties (such as structural, functional, and spatial information, amino acid conservation, physicochemical variation, residue mobility, and thermodynamic stability) performed at Invitae indicates that this missense variant is not expected to disrupt RAD50 protein function. This variant has not been reported in the literature in individuals affected with RAD50-related conditions. This sequence change replaces asparagine, which is neutral and polar, with serine, which is neutral and polar, at codon 849 of the RAD50 protein (p.Asn849Ser).